The following is an entry in ClinVar:

ClinVar aggregate classification (germline): Uncertain significance (1 of 4 stars; one submission).

Submission:

ISCA site 14
Classification: Uncertain significance. Last evaluated: 2011-08-12. Review status: criteria provided, single submitter. Criteria: Kaminsky et al. (Genet Med. 2011). Collection method: clinical testing. Allele origin: de novo. Affected: yes. Observed: 1 variant allele.
Comment: Copy number variation identified through the course of routine clinical cytogenomic testing in postnatal populations. Clinical assertions have been curated as described in Kaminsky et al. 2011.

GRCh38/hg38 15q25.2-25.3(chr15:84391435-85185613)x1

Genes: ALPK3 (alpha kinase 3; plus strand), LINC00933 (long intergenic non-protein coding RNA 933; plus strand), NMB (neuromedin B; minus strand), PDE8A (phosphodiesterase 8A; plus strand), SEC11A (SEC11 homolog A, signal peptidase complex subunit; minus strand) and 39 more. Cytogenetic location: 15q25.2-25.3.
Variant type: copy number loss.
Change: copy number 1 (one copy instead of two) of chr15:84,391,435-85,185,613 (794.2 kb, GRCh38 coordinates, 1-based), cytogenetic band 15q25.2-25.3.
Identifiers: ClinVar variation 57536 (VCV000057536.1).